The following is an entry in ClinVar:

NM_212482.4(FN1):c.3289G>T (p.Glu1097Ter)

Gene: FN1 (fibronectin 1; minus strand). Cytogenetic location: 2q35.
Variant type: single nucleotide variant.
Coding change: c.3289G>T on transcript NM_212482.4 (MANE Select); coding-DNA position 3289, G replaced by T.
Protein change: p.Glu1097Ter; replaces glutamic acid 1097 with a stop codon.
Molecular consequence: nonsense.
Genome position (GRCh38, 1-based): chr2:215,399,316, C>A on the plus strand (G>T on the coding strand, the complement: FN1 is on the minus strand). VCF-style: chr2-215399316-C-A. GRCh37 (hg19) VCF-style: chr2-216264039-C-A.
Other names: c.3289G>T, p.Glu1097Ter (NM_001306129.2, NM_001306130.2, NM_001306131.2 and 13 more transcripts); short protein forms E1097*.
Identifiers: ClinVar variation 4999387 (VCV004999387.1).

ClinVar aggregate classification (germline): Uncertain significance (1 of 4 stars; one submission).

Conditions:
FN1-related disorder. Also called: FN1-related condition.

Submission:

PreventionGenetics, part of Exact Sciences
Classification: Uncertain significance for FN1-related condition. Last evaluated: 2025-05-23. Review status: criteria provided, single submitter. Criteria: ACMG Guidelines, 2015. Collection method: clinical testing. Allele origin: germline.
Comment: The FN1 c.3289G>T variant is predicted to result in premature protein termination (p.Glu1097*). To our knowledge, this variant has not been reported in the literature or in a large population database (gnomAD), indicating this variant is rare. At this time, the clinical significance of this variant is uncertain due to the absence of conclusive functional and genetic evidence.